The following is an entry in ClinVar:

NM_003059.3(SLC22A4):c.1004C>T (p.Thr335Ile)

Genes: MIR3936HG (MIR3936 host gene; minus strand), SLC22A4 (solute carrier family 22 member 4; plus strand). Cytogenetic location: 5q31.1.
Variant type: single nucleotide variant.
Coding change: c.1004C>T on transcript NM_003059.3 (MANE Select); coding-DNA position 1004, C replaced by T.
Protein change: p.Thr335Ile; replaces threonine 335 with isoleucine.
Molecular consequence: missense variant.
Genome position (GRCh38, 1-based): chr5:132,331,808, C>T. VCF-style: chr5-132331808-C-T. GRCh37 (hg19) VCF-style: chr5-131667501-C-T.
Other names: short protein forms T335I.
Identifiers: ClinVar variation 2026473 (VCV002026473.4), dbSNP rs768949924, ClinGen allele CA3403564.

ClinVar aggregate classification (germline): Uncertain significance (1 of 4 stars; one submission).

Allele frequency attached by ClinVar (database versions not stated): gnomAD exomes below 0.00001; ExAC 0.00001.
gnomAD v4.1: 3 of 1,613,748 alleles (0.00019%); highest among the groups gnomAD compares: African/African-American, 0.004%; no homozygotes.

Submission:

Labcorp Genetics (formerly Invitae), Labcorp
Classification: Uncertain significance. Last evaluated: 2022-08-23. Review status: criteria provided, single submitter. Criteria: Invitae Variant Classification Sherloc (09022015). Collection method: clinical testing. Allele origin: germline.
Comment: This sequence change replaces threonine, which is neutral and polar, with isoleucine, which is neutral and non-polar, at codon 335 of the SLC22A4 protein (p.Thr335Ile). This variant is present in population databases (rs768949924, gnomAD 0.007%). This variant has not been reported in the literature in individuals affected with SLC22A4-related conditions. Algorithms developed to predict the effect of missense changes on protein structure and function are either unavailable or do not agree on the potential impact of this missense change (SIFT: "Tolerated"; PolyPhen-2: "Possibly Damaging"; Align-GVGD: "Class C0"). In summary, the available evidence is currently insufficient to determine the role of this variant in disease. Therefore, it has been classified as a Variant of Uncertain Significance.